The following is an entry in ClinVar:

NM_144997.7(FLCN):c.719C>T (p.Ser240Leu)

Gene: FLCN (folliculin; minus strand). Cytogenetic location: 17p11.2.
Variant type: single nucleotide variant.
Coding change: c.719C>T on transcript NM_144997.7 (MANE Select); coding-DNA position 719, C replaced by T.
Protein change: p.Ser240Leu; replaces serine 240 with leucine.
Molecular consequence: missense variant.
Genome position (GRCh38, 1-based): chr17:17,222,561, G>A on the plus strand (C>T on the coding strand, the complement: FLCN is on the minus strand). VCF-style: chr17-17222561-G-A. GRCh37 (hg19) VCF-style: chr17-17125875-G-A.
Other names: c.773C>T, p.Ser258Leu (NM_001353229.2); c.719C>T, p.Ser240Leu (NM_001353230.2, NM_001353231.2, NM_144606.7); short protein forms S240L, S258L.
Identifiers: ClinVar variation 838494 (VCV000838494.10), dbSNP rs2047125657, ClinGen allele CA398533936.

ClinVar aggregate classification (germline): Uncertain significance. Review status: criteria provided, multiple submitters, no conflicts (2 of 4 stars). 4 submissions from 4 submitters: Uncertain significance (4). Last evaluated 2025-08-22.

Conditions:
Birt-Hogg-Dube syndrome. Also called: Birt Hogg Dubé syndrome. Identifiers: Orphanet 122, MedGen C0346010, MONDO:0800444.
Hereditary cancer-predisposing syndrome. Also called: Neoplastic Syndromes, Hereditary; Hereditary neoplastic syndrome; Tumor predisposition; Hereditary Cancer Syndrome. Identifiers: Orphanet 140162, MedGen C0027672, MeSH D009386, MONDO:0015356.
Birt-Hogg-Dube syndrome 1 (BHD1). Also called: FIBROFOLLICULOMAS WITH TRICHODISCOMAS AND ACROCHORDONS. Identifiers: Orphanet 122, MedGen CN375946, MONDO:0800445, OMIM 135150.

Allele frequency attached by ClinVar (database versions not stated): gnomAD exomes below 0.00001.

Submissions (4):

Labcorp Genetics (formerly Invitae), Labcorp
Classification: Uncertain significance for Birt-Hogg-Dube syndrome. Last evaluated: 2025-08-22. Review status: criteria provided, single submitter. Criteria: Invitae Variant Classification Sherloc (09022015). Collection method: clinical testing. Allele origin: germline.
Comment: This sequence change replaces serine, which is neutral and polar, with leucine, which is neutral and non-polar, at codon 240 of the FLCN protein (p.Ser240Leu). This variant is not present in population databases (gnomAD no frequency). This variant has not been reported in the literature in individuals affected with FLCN-related conditions. ClinVar contains an entry for this variant (Variation ID: 838494). Invitae Evidence Modeling of protein sequence and biophysical properties (such as structural, functional, and spatial information, amino acid conservation, physicochemical variation, residue mobility, and thermodynamic stability) has been performed for this missense variant. However, the output from this modeling did not meet the statistical confidence thresholds required to predict the impact of this variant on FLCN protein function. In summary, the available evidence is currently insufficient to determine the role of this variant in disease. Therefore, it has been classified as a Variant of Uncertain Significance.

GeneDx
Classification: Uncertain significance. Last evaluated: 2024-11-04. Review status: criteria provided, single submitter. Criteria: GeneDx Variant Classification Process June 2021. Collection method: clinical testing. Allele origin: germline. Affected: yes.
Comment: Not observed at significant frequency in large population cohorts (gnomAD); In silico analysis supports that this missense variant has a deleterious effect on protein structure/function; Has not been previously published as pathogenic or benign to our knowledge

Institute of Human Genetics, Cologne University
Classification: Uncertain significance for Birt-Hogg-Dube syndrome 1. Last evaluated: 2024-02-05. Review status: criteria provided, single submitter. Criteria: ACMG Guidelines, 2015. Collection method: clinical testing. Allele origin: germline. Affected: yes.

Ambry Genetics
Classification: Uncertain significance for Hereditary cancer-predisposing syndrome. Last evaluated: 2023-10-27. Review status: criteria provided, single submitter. Criteria: Ambry Variant Classification Scheme 2023. Collection method: clinical testing. Allele origin: germline.
Comment: The p.S240L variant (also known as c.719C>T), located in coding exon 4 of the FLCN gene, results from a C to T substitution at nucleotide position 719. The serine at codon 240 is replaced by leucine, an amino acid with dissimilar properties. This amino acid position is highly conserved in available vertebrate species. In addition, this alteration is predicted to be deleterious by in silico analysis. Since supporting evidence is limited at this time, the clinical significance of this alteration remains unclear.